The following is an entry in ClinVar:

NM_004999.4(MYO6):c.1120T>C (p.Tyr374His)

Gene: MYO6 (myosin VI; plus strand). Cytogenetic location: 6q14.1.
Variant type: single nucleotide variant.
Coding change: c.1120T>C on transcript NM_004999.4 (MANE Select); coding-DNA position 1120, T replaced by C.
Protein change: p.Tyr374His; replaces tyrosine 374 with histidine.
Molecular consequence: missense variant. On other transcripts: non-coding transcript variant (1).
Genome position (GRCh38, 1-based): chr6:75,855,180, T>C. VCF-style: chr6-75855180-T-C. GRCh37 (hg19) VCF-style: chr6-76564897-T-C.
Other names: c.1120T>C, p.Tyr374His (NM_001300899.2, NM_001368136.1, NM_001368137.1 and 2 more transcripts); c.1105T>C, p.Tyr369His (NM_001368138.1); short protein forms Y374H, Y369H.
Identifiers: ClinVar variation 45133 (VCV000045133.27), dbSNP rs61732664, ClinGen allele CA135591.

ClinVar aggregate classification (germline): Benign/Likely benign. Review status: criteria provided, multiple submitters, no conflicts (2 of 4 stars). 11 submissions from 10 submitters: Benign (9); Likely benign (2). Last evaluated 2026-02-01.

Conditions:
Autosomal dominant nonsyndromic hearing loss 22. Also called: Autosomal dominant nonsyndromic deafness 22; DFNA 22. Identifiers: Orphanet 228012, MedGen C2931767, MONDO:0011660, OMIM 606346.
Autosomal recessive nonsyndromic hearing loss 37. Identifiers: Orphanet 90636, MedGen C1843028, MONDO:0011912, OMIM 607821.

Allele frequency attached by ClinVar (database versions not stated): ExAC 0.01361; 1000 Genomes Project 0.01378; ESP Exome Variant Server 0.00192; gnomAD exomes 0.00378 and 0.01717; gnomAD 0.00738 and 0.00762; TOPMed 0.01299; 1000 Genomes Project 30x 0.01437.
gnomAD v4.1: 6,659 of 1,612,678 alleles (0.41%); highest among the groups gnomAD compares: Admixed American, 9.8%; 363 homozygotes.

Submissions (11):

Labcorp Genetics (formerly Invitae), Labcorp
Classification: Benign. Last evaluated: 2026-02-01. Review status: criteria provided, single submitter. Criteria: Invitae Variant Classification Sherloc (09022015). Collection method: clinical testing. Allele origin: germline.

Fulgent Genetics
Classification: Benign for Autosomal dominant nonsyndromic hearing loss 22; Autosomal recessive nonsyndromic hearing loss 37. Last evaluated: 2021-07-28. Review status: criteria provided, single submitter. Criteria: ACMG Guidelines, 2015. Collection method: clinical testing. Allele origin: unknown.

Mayo Clinic Laboratories, Mayo Clinic
Classification: Benign. Last evaluated: 2021-03-12. Review status: criteria provided, single submitter. Criteria: ACMG Guidelines, 2015. Collection method: clinical testing. Allele origin: germline. Observed: 3 variant alleles.

Athena Diagnostics
Classification: Benign. Last evaluated: 2018-12-05. Review status: criteria provided, single submitter. Criteria: Athena Diagnostics Criteria. Collection method: clinical testing. Allele origin: germline.

Illumina Laboratory Services, Illumina
Classification: Likely benign for Autosomal recessive nonsyndromic hearing loss 37. Last evaluated: 2018-01-13. Review status: criteria provided, single submitter. Criteria: ICSL Variant Classification Criteria 13 December 2019. Collection method: clinical testing. Allele origin: germline.
Comment: This variant was observed in the ICSL laboratory as part of a predisposition screen in an ostensibly healthy population. It had not been previously curated by ICSL or reported in the Human Gene Mutation Database (HGMD: prior to June 1st, 2018), and was therefore a candidate for classification through an automated scoring system. Utilizing variant allele frequency, disease prevalence and penetrance estimates, and inheritance mode, an automated score was calculated to assess if this variant is too frequent to cause the disease. Based on the score and internal cut-off values, a variant classified as likely benign is not then subjected to further curation. The score for this variant resulted in a classification of likely benign for this disease.

Illumina Laboratory Services, Illumina
Classification: Benign for Autosomal dominant nonsyndromic hearing loss 22. Last evaluated: 2018-01-13. Review status: criteria provided, single submitter. Criteria: ICSL Variant Classification Criteria 13 December 2019. Collection method: clinical testing. Allele origin: germline.
Comment: This variant was observed in the ICSL laboratory as part of a predisposition screen in an ostensibly healthy population. It had not been previously curated by ICSL or reported in the Human Gene Mutation Database (HGMD: prior to June 1st, 2018), and was therefore a candidate for classification through an automated scoring system. Utilizing variant allele frequency, disease prevalence and penetrance estimates, and inheritance mode, an automated score was calculated to assess if this variant is too frequent to cause the disease. Based on the score and internal cut-off values, a variant classified as benign is not then subjected to further curation. The score for this variant resulted in a classification of benign for this disease.

GeneDx
Classification: Benign. Last evaluated: 2017-09-20. Review status: criteria provided, single submitter. Criteria: GeneDx Variant Classification (06012015). Collection method: clinical testing. Allele origin: germline. Affected: yes.
Comment: This variant is considered likely benign or benign based on one or more of the following criteria: it is a conservative change, it occurs at a poorly conserved position in the protein, it is predicted to be benign by multiple in silico algorithms, and/or has population frequency not consistent with disease.

Eurofins Ntd Llc (ga)
Classification: Benign. Last evaluated: 2014-12-10. Review status: criteria provided, single submitter. Criteria: EGL Classification Definitions 2015. Collection method: clinical testing. Allele origin: germline. Observed: 1 variant allele, 1 heterozygote.

Laboratory for Molecular Medicine, Mass General Brigham Personalized Medicine
Classification: Benign. Last evaluated: 2011-11-01. Review status: criteria provided, single submitter. Criteria: LMM Criteria. Collection method: clinical testing. Allele origin: germline. Observed: 48 variant alleles.
Comment: Tyr374His in exon 12 of MYO6: This variant is not expected to have clinical sign ificance because this residue is not highly conserved across species. In additio n, this variant has now been identified in 5/29 (17%) Hispanic probands tested b y our laboratory and is listed in dbSNP with a frequency of 0.2% (12/5596) in co ntrol chromosomes (rs61732664).

Breakthrough Genomics
Classification: Likely benign. Review status: criteria provided, single submitter. Criteria: ACMG Guidelines, 2015. Collection method: not provided. Allele origin: germline. Inheritance: Autosomal recessive inheritance. Affected: yes.

PreventionGenetics, part of Exact Sciences
Classification: Benign. Review status: criteria provided, single submitter. Criteria: ACMG Guidelines, 2015. Collection method: clinical testing. Allele origin: germline.